The following is an entry in ClinVar:

NM_003560.4(PLA2G6):c.1318C>G (p.Gln440Glu)

Gene: PLA2G6 (phospholipase A2 group VI; minus strand). Cytogenetic location: 22q13.1.
Variant type: single nucleotide variant.
Coding change: c.1318C>G on transcript NM_003560.4 (MANE Select); coding-DNA position 1318, C replaced by G.
Protein change: p.Gln440Glu; replaces glutamine 440 with glutamic acid.
Molecular consequence: missense variant. On other transcripts: intron variant (5).
Genome position (GRCh38, 1-based): chr22:38,128,299, G>C on the plus strand (C>G on the coding strand, the complement: PLA2G6 is on the minus strand). VCF-style: chr22-38128299-G-C. GRCh37 (hg19) VCF-style: chr22-38524306-G-C.
Other names: c.1318C>G, p.Gln440Glu (NM_001349864.2); c.784C>G, p.Gln262Glu (NM_001349867.2); c.640C>G, p.Gln214Glu (NM_001349868.2); c.1186+1155C>G (NM_001349866.2, NM_001199562.3, NM_001349865.2 and 1 more transcripts); c.652+1155C>G (NM_001349869.2); short protein forms Q214E, Q262E, Q440E.
Identifiers: ClinVar variation 3893316 (VCV003893316.1).
Genomic context (GRCh38, chr22:38,128,299, plus strand): 5'-GAGAAGAGGGAGTCGGGAGGCGAGGCCTACCTAGGTTGTTTAGGCTGATCGGTGGGGGCT[G>C]AGCTCTTTCCAGGGAGAAGGGATGATGTGGCGCTGCAGAGCCCTGCTCCGCGGGGACCCC-3'
Protein context (NP_003551.2, residues 430-450): PHHPFSLERA[Gln440Glu]PPPISLNNLE

ClinVar aggregate classification (germline): Uncertain significance (1 of 4 stars; one submission).

gnomAD v4.1: 7 of 1,612,836 alleles (0.00043%); highest among the groups gnomAD compares: Non-Finnish European, 0.00051%; no homozygotes.

Submission:

GeneDx
Classification: Uncertain significance. Last evaluated: 2024-10-22. Review status: criteria provided, single submitter. Criteria: GeneDx Variant Classification Process June 2021. Collection method: clinical testing. Allele origin: germline. Affected: yes.
Comment: Not observed at significant frequency in large population cohorts (gnomAD); In silico analysis indicates that this missense variant does not alter protein structure/function; Has not been previously published as pathogenic or benign to our knowledge